The following is an entry in ClinVar:

NM_006231.4(POLE):c.2441C>G (p.Ser814Cys)

Gene: POLE (DNA polymerase epsilon, catalytic subunit; minus strand). Cytogenetic location: 12q24.33.
Variant type: single nucleotide variant.
Coding change: c.2441C>G on transcript NM_006231.4 (MANE Select); coding-DNA position 2441, C replaced by G.
Protein change: p.Ser814Cys; replaces serine 814 with cysteine.
Molecular consequence: missense variant.
Genome position (GRCh38, 1-based): chr12:132,665,329, G>C on the plus strand (C>G on the coding strand, the complement: POLE is on the minus strand). VCF-style: chr12-132665329-G-C. GRCh37 (hg19) VCF-style: chr12-133241915-G-C.
Other names: short protein forms S814C.
Identifiers: ClinVar variation 3935698 (VCV003935698.1).

ClinVar aggregate classification (germline): Uncertain significance (1 of 4 stars; one submission).

Conditions:
Hereditary cancer-predisposing syndrome. Also called: Tumor predisposition; Hereditary neoplastic syndrome; Hereditary Cancer Syndrome; Neoplastic Syndromes, Hereditary. Identifiers: Orphanet 140162, MedGen C0027672, MeSH D009386, MONDO:0015356.

Submission:

Ambry Genetics
Classification: Uncertain significance for Hereditary cancer-predisposing syndrome. Last evaluated: 2025-03-18. Review status: criteria provided, single submitter. Criteria: Ambry Variant Classification Scheme 2023. Collection method: clinical testing. Allele origin: germline.
Comment: The p.S814C variant (also known as c.2441C>G), located in coding exon 21 of the POLE gene, results from a C to G substitution at nucleotide position 2441. The serine at codon 814 is replaced by cysteine, an amino acid with dissimilar properties. This amino acid position is conserved. In addition, the in silico prediction for this alteration is inconclusive. Based on the available evidence, the clinical significance of this variant remains unclear.